The following is an entry in ClinVar:

NM_145020.5(CFAP53):c.253G>A (p.Asp85Asn)

Gene: CFAP53 (cilia and flagella associated protein 53; minus strand). Cytogenetic location: 18q21.1.
Variant type: single nucleotide variant.
Coding change: c.253G>A on transcript NM_145020.5 (MANE Select); coding-DNA position 253, G replaced by A.
Protein change: p.Asp85Asn; replaces aspartic acid 85 with asparagine.
Molecular consequence: missense variant.
Genome position (GRCh38, 1-based): chr18:50,262,036, C>T on the plus strand (G>A on the coding strand, the complement: CFAP53 is on the minus strand). VCF-style: chr18-50262036-C-T. GRCh37 (hg19) VCF-style: chr18-47788406-C-T.
Other names: short protein forms D85N.
Identifiers: ClinVar variation 959683 (VCV000959683.9), dbSNP rs764782179, ClinGen allele CA8962472.
Genomic context (GRCh38, chr18:50,262,036, plus strand): 5'-TTTGTGAGCCTTACTTATTTCGTCTTTCTTCAATGTTAATGATAAACCCTTGCACAGCAT[C>T]CTTGATTCTTGCTCGCACAAGGCTGTCCAAAATCTTGCAGTCATTGTGCTGGTCCCACTC-3'
Protein context (NP_659457.2, residues 75-95): LDSLVRARIK[Asp85Asn]AVQGFIINIE

ClinVar aggregate classification (germline): Uncertain significance. Review status: criteria provided, multiple submitters, no conflicts (2 of 4 stars). 2 submissions from 2 submitters: Uncertain significance (2). Last evaluated 2022-12-13.

Conditions:
Inborn genetic diseases. Identifiers: MedGen C0950123, MeSH D030342.
Heterotaxy, visceral, 6, autosomal (HTX6). Also called: Heterotaxy, visceral, 6, autosomal recessive. Identifiers: Orphanet 450, MedGen C3553676, MONDO:0013887, OMIM 614779.

Allele frequency attached by ClinVar (database versions not stated): gnomAD 0.00001; TOPMed 0.00002.

Submissions (2):

Ambry Genetics
Classification: Uncertain significance for Inborn genetic diseases. Last evaluated: 2022-12-13. Review status: criteria provided, single submitter. Criteria: Ambry Variant Classification Scheme 2023. Collection method: clinical testing. Allele origin: germline.

Labcorp Genetics (formerly Invitae), Labcorp
Classification: Uncertain significance for Heterotaxy, visceral, 6, autosomal. Last evaluated: 2019-09-28. Review status: criteria provided, single submitter. Criteria: Invitae Variant Classification Sherloc (09022015). Collection method: clinical testing. Allele origin: germline.
Comment: This sequence change replaces aspartic acid with asparagine at codon 85 of the CFAP53 protein (p.Asp85Asn). The aspartic acid residue is highly conserved and there is a small physicochemical difference between aspartic acid and asparagine. This variant is present in population databases (rs764782179, ExAC 0.02%). This variant has not been reported in the literature in individuals with CFAP53-related conditions. Algorithms developed to predict the effect of missense changes on protein structure and function are either unavailable or do not agree on the potential impact of this missense change (SIFT: "Tolerated"; PolyPhen-2: "Probably Damaging"; Align-GVGD: "Class C0"). In summary, the available evidence is currently insufficient to determine the role of this variant in disease. Therefore, it has been classified as a Variant of Uncertain Significance.